The following is an entry in ClinVar:

ClinVar aggregate classification (germline): Uncertain significance (1 of 4 stars; one submission).

Submissions (2):

Labcorp Genetics (formerly Invitae), Labcorp
Classification: Uncertain significance. Last evaluated: 2021-02-14. Review status: criteria provided, single submitter. Criteria: Invitae Variant Classification Sherloc (09022015). Collection method: clinical testing. Allele origin: germline.
Comment: In summary, the available evidence is currently insufficient to determine the role of this variant in disease. Therefore, it has been classified as a Variant of Uncertain Significance. Nucleotide substitutions within the consensus splice site are a relatively common cause of aberrant splicing (PMID: 17576681, 9536098). Algorithms developed to predict the effect of sequence changes on RNA splicing suggest that this variant may disrupt the consensus splice site, but this prediction has not been confirmed by published transcriptional studies. Algorithms developed to predict the effect of missense changes on protein structure and function (SIFT, PolyPhen-2, Align-GVGD) all suggest that this variant is likely to be disruptive, but these predictions have not been confirmed by published functional studies and their clinical significance is uncertain. This variant has not been reported in the literature in individuals with USH2A-related conditions. This variant is not present in population databases (ExAC no frequency). This sequence change replaces glycine with cysteine at codon 2269 of the USH2A protein (p.Gly2269Cys). The glycine residue is highly conserved and there is a large physicochemical difference between glycine and cysteine. This variant also falls at the last nucleotide of exon 35 of the USH2A coding sequence, which is part of the consensus splice site for this exon.

Dr. Peter K. Rogan Lab, Western University
No classification provided (evidence only). Condition: Malignant tumor of urinary bladder. Review status: no classification provided. Collection method: in vitro. Allele origin: not applicable. Functional consequence: retained intron. Not counted in ClinVar's aggregate classification.

Literature cited by the submitters: PubMed 17576681 (cited by Labcorp Genetics (formerly Invitae), Labcorp); PubMed 9536098 (cited by Labcorp Genetics (formerly Invitae), Labcorp).

NM_206933.4(USH2A):c.6805G>T (p.Gly2269Cys)

Gene: USH2A (usherin; minus strand). Cytogenetic location: 1q41.
Variant type: single nucleotide variant.
Coding change: c.6805G>T on transcript NM_206933.4 (MANE Select); coding-DNA position 6805, G replaced by T.
Protein change: p.Gly2269Cys; replaces glycine 2269 with cysteine.
Molecular consequence: missense variant.
Genome position (GRCh38, 1-based): chr1:215,993,020, C>A on the plus strand (G>T on the coding strand, the complement: USH2A is on the minus strand). VCF-style: chr1-215993020-C-A. GRCh37 (hg19) VCF-style: chr1-216166362-C-A.
Other names: short protein forms G2269C.
Identifiers: ClinVar variation 1348895 (VCV001348895.9), dbSNP rs1668037260, ClinGen allele CA344860091.